The following is an entry in ClinVar:

NM_001005498.4(RHBDF2):c.1531G>A (p.Gly511Ser)

Gene: RHBDF2 (rhomboid 5 homolog 2; minus strand). Cytogenetic location: 17q25.1.
Variant type: single nucleotide variant.
Coding change: c.1531G>A on transcript NM_001005498.4 (MANE Select); coding-DNA position 1531, G replaced by A.
Protein change: p.Gly511Ser; replaces glycine 511 with serine.
Molecular consequence: missense variant. On other transcripts: non-coding transcript variant (3).
Genome position (GRCh38, 1-based): chr17:76,474,076, C>T on the plus strand (G>A on the coding strand, the complement: RHBDF2 is on the minus strand). VCF-style: chr17-76474076-C-T. GRCh37 (hg19) VCF-style: chr17-74470158-C-T.
Other names: c.1531G>A, p.Gly511Ser (NM_001376228.1, NM_001376229.1, NM_001376230.1); c.1618G>A, p.Gly540Ser (NM_024599.5); short protein forms G511S, G540S.
Identifiers: ClinVar variation 890958 (VCV000890958.13), dbSNP rs140196536, ClinGen allele CA8786962.

ClinVar aggregate classification (germline): Conflicting classifications of pathogenicity. Review status: criteria provided, conflicting classifications (1 of 4 stars). 5 submissions from 5 submitters: Uncertain significance (3); Benign (1); Likely benign (1). Last evaluated 2024-10-04.

Conditions:
Palmoplantar keratoderma-esophageal carcinoma syndrome (TOC). Also called: Tylosis with Esophageal Cancer; KERATOSIS PALMARIS ET PLANTARIS WITH ESOPHAGEAL CANCER; PALMOPLANTAR KERATODERMA WITH ESOPHAGEAL CANCER. Identifiers: Orphanet 2198, MedGen C1835664, MONDO:0007856, OMIM 148500.
Inborn genetic diseases. Identifiers: MedGen C0950123, MeSH D030342.

Allele frequency attached by ClinVar (database versions not stated): gnomAD exomes 0.00012; ExAC 0.00016; gnomAD 0.00016 and 0.00018; TOPMed 0.00017; ESP Exome Variant Server 0.00038.
gnomAD v4.1: 330 of 1,612,306 alleles (0.02%); highest among the groups gnomAD compares: Non-Finnish European, 0.026%; no homozygotes.

Submissions (5):

Blueprint Genetics
Classification: Likely benign. Last evaluated: 2024-10-04. Review status: criteria provided, single submitter. Criteria: ACMG Guidelines, 2015. Collection method: clinical testing. Allele origin: germline.

Ambry Genetics
Classification: Uncertain significance for Inborn genetic diseases. Last evaluated: 2024-05-26. Review status: criteria provided, single submitter. Criteria: Ambry Variant Classification Scheme 2023. Collection method: clinical testing. Allele origin: germline.

Institute for Clinical Genetics, University Hospital TU Dresden, University Hospital TU Dresden
Classification: Uncertain significance. Last evaluated: 2021-11-03. Review status: criteria provided, single submitter. Criteria: ACMG Guidelines, 2015. Collection method: clinical testing. Allele origin: germline.

Baylor Genetics
Classification: Uncertain significance for Palmoplantar keratoderma-esophageal carcinoma syndrome. Last evaluated: 2019-07-09. Review status: criteria provided, single submitter. Criteria: ACMG Guidelines, 2015. Collection method: clinical testing. Allele origin: maternal. Affected: yes. Study: CSER-TexasKidsCanSeq.
Comment: This variant was determined to be of uncertain significance according to ACMG Guidelines, 2015 [PMID:25741868].

Illumina Laboratory Services, Illumina
Classification: Benign for Palmoplantar keratoderma-esophageal carcinoma syndrome. Last evaluated: 2018-01-13. Review status: criteria provided, single submitter. Criteria: ICSL Variant Classification Criteria 13 December 2019. Collection method: clinical testing. Allele origin: germline.
Comment: This variant was observed in the ICSL laboratory as part of a predisposition screen in an ostensibly healthy population. It had not been previously curated by ICSL or reported in the Human Gene Mutation Database (HGMD: prior to June 1st, 2018), and was therefore a candidate for classification through an automated scoring system. Utilizing variant allele frequency, disease prevalence and penetrance estimates, and inheritance mode, an automated score was calculated to assess if this variant is too frequent to cause the disease. Based on the score and internal cut-off values, a variant classified as benign is not then subjected to further curation. The score for this variant resulted in a classification of benign for this disease.